The following is an entry in ClinVar:

ClinVar aggregate classification (germline): Uncertain significance (1 of 4 stars; one submission).

Allele frequency attached by ClinVar (database versions not stated): TOPMed below 0.00001; gnomAD 0.00001; ExAC 0.00002; gnomAD exomes 0.00002; 1000 Genomes Project 30x 0.00016; 1000 Genomes Project 0.00020.
gnomAD v4.1: 45 of 1,614,098 alleles (0.0028%); highest among the groups gnomAD compares: Non-Finnish European, 0.0036%; no homozygotes.

Submission:

Labcorp Genetics (formerly Invitae), Labcorp
Classification: Uncertain significance. Last evaluated: 2023-05-12. Review status: criteria provided, single submitter. Criteria: Invitae Variant Classification Sherloc (09022015). Collection method: clinical testing. Allele origin: germline.
Comment: An algorithm developed to predict the effect of missense changes on protein structure and function (PolyPhen-2) suggests that this variant is likely to be tolerated. ClinVar contains an entry for this variant (Variation ID: 1387957). This variant has not been reported in the literature in individuals affected with ERBIN-related conditions. This variant is present in population databases (rs538916835, gnomAD 0.003%). In summary, the available evidence is currently insufficient to determine the role of this variant in disease. Therefore, it has been classified as a Variant of Uncertain Significance. This sequence change replaces cysteine, which is neutral and slightly polar, with tyrosine, which is neutral and polar, at codon 843 of the ERBIN protein (p.Cys843Tyr).

NM_001253697.2(ERBIN):c.2528G>A (p.Cys843Tyr)

Gene: ERBIN (erbb2 interacting protein; plus strand). Cytogenetic location: 5q12.3.
Variant type: single nucleotide variant.
Coding change: c.2528G>A on transcript NM_001253697.2 (MANE Select); coding-DNA position 2528, G replaced by A.
Protein change: p.Cys843Tyr; replaces cysteine 843 with tyrosine.
Molecular consequence: missense variant.
Genome position (GRCh38, 1-based): chr5:66,053,846, G>A. VCF-style: chr5-66053846-G-A. GRCh37 (hg19) VCF-style: chr5-65349674-G-A.
Other names: c.2528G>A, p.Cys843Tyr (NM_001006600.3, NM_001253698.2, NM_001253699.2 and 1 more transcripts); c.2516G>A, p.Cys839Tyr (NM_001253701.2); short protein forms C839Y, C843Y.
Identifiers: ClinVar variation 1387957 (VCV001387957.6), dbSNP rs538916835, ClinGen allele CA3286504.